The following is an entry in ClinVar:

ClinVar aggregate classification (germline): Pathogenic (1 of 4 stars; one submission).

Conditions:
Hereditary cancer-predisposing syndrome. Also called: Neoplastic Syndromes, Hereditary; Tumor predisposition; Hereditary Cancer Syndrome; Hereditary neoplastic syndrome. Identifiers: Orphanet 140162, MedGen C0027672, MeSH D009386, MONDO:0015356.

Submission:

Ambry Genetics
Classification: Pathogenic for Hereditary cancer-predisposing syndrome. Last evaluated: 2024-08-29. Review status: criteria provided, single submitter. Criteria: Ambry Variant Classification Scheme 2023. Collection method: clinical testing. Allele origin: germline.
Comment: The p.E1150* pathogenic mutation (also known as c.3448G>T), located in coding exon 15 of the APC gene, results from a G to T substitution at nucleotide position 3448. This changes the amino acid from a glutamic acid to a stop codon within coding exon 15. This alteration occurs at the 3' terminus of theAPC gene, is not expected to trigger nonsense-mediated mRNA decay, and impacts the last 60% of the protein. However, premature stop codons are typically deleterious in nature and a significant portion of the protein is affected and the impacted region is critical for protein function (Ambry internal data). This variant is considered to be rare based on population cohorts in the Genome Aggregation Database (gnomAD). Based on the supporting evidence, this variant is interpreted as a disease-causing mutation.

NM_000038.6(APC):c.3448G>T (p.Glu1150Ter)

Gene: APC (APC regulator of Wnt signaling pathway; plus strand). Cytogenetic location: 5q22.2.
Variant type: single nucleotide variant.
Coding change: c.3448G>T on transcript NM_000038.6 (MANE Select); coding-DNA position 3448, G replaced by T.
Protein change: p.Glu1150Ter; replaces glutamic acid 1150 with a stop codon.
Molecular consequence: nonsense. On other transcripts: non-coding transcript variant (2).
Genome position (GRCh38, 1-based): chr5:112,839,042, G>T. VCF-style: chr5-112839042-G-T. GRCh37 (hg19) VCF-style: chr5-112174739-G-T.
Other names: c.3448G>T, p.Glu1150Ter (NM_001127510.3, NM_001354895.2, NM_001407450.1); c.3394G>T, p.Glu1132Ter (NM_001127511.3); c.3502G>T, p.Glu1168Ter (NM_001354896.2, NM_001407447.1, NM_001407448.1 and 1 more transcripts); c.3478G>T, p.Glu1160Ter (NM_001354897.2); c.3373G>T, p.Glu1125Ter (NM_001354898.2); c.3364G>T, p.Glu1122Ter (NM_001354899.2); c.3325G>T, p.Glu1109Ter (NM_001354900.2); c.3271G>T, p.Glu1091Ter (NM_001354901.2, NM_001407453.1); and 11 more; short protein forms E1125*, E1132*, E1160*, E766*, E1049*, E1091*, E1140*, E990*.
Identifiers: ClinVar variation 3410322 (VCV003410322.1).